The following is an entry in ClinVar:

ClinVar aggregate classification (germline): Conflicting classifications of pathogenicity. Review status: criteria provided, conflicting classifications (1 of 4 stars). 5 submissions from 5 submitters: Uncertain significance (3); Benign (1); Likely benign (1). Last evaluated 2026-03-02.

Conditions:
Inborn genetic diseases. Identifiers: MedGen C0950123, MeSH D030342.
COL11A1-related disorder. Also called: COL11A1-related disorders; COL11A1-related condition.

Allele frequency attached by ClinVar (database versions not stated): gnomAD exomes 0.00002 and 0.00006; ExAC 0.00007; ESP Exome Variant Server 0.00023; gnomAD 0.00026 and 0.00030; TOPMed 0.00030; 1000 Genomes Project 0.00040; 1000 Genomes Project 30x 0.00047.
gnomAD v4.1: 74 of 1,613,806 alleles (0.0046%); highest among the groups gnomAD compares: African/African-American, 0.095%; no homozygotes.

Submissions (5):

PreventionGenetics, part of Exact Sciences
Classification: Uncertain significance for COL11A1-related condition. Last evaluated: 2026-03-02. Review status: criteria provided, single submitter. Criteria: ACMG Guidelines, 2015. Collection method: clinical testing. Allele origin: germline.
Comment: The COL11A1 c.1169A>G variant is predicted to result in the amino acid substitution p.Glu390Gly. To our knowledge, this variant has not been reported in the literature. This variant is reported in 0.080% of alleles in individuals of African descent in gnomAD. Although we suspect that this variant may be benign, at this time, the clinical significance of this variant is uncertain due to the absence of conclusive functional and genetic evidence.

Labcorp Genetics (formerly Invitae), Labcorp
Classification: Likely benign. Last evaluated: 2026-01-12. Review status: criteria provided, single submitter. Criteria: Invitae Variant Classification Sherloc (09022015). Collection method: clinical testing. Allele origin: germline.

GeneDx
Classification: Uncertain significance. Last evaluated: 2025-03-04. Review status: criteria provided, single submitter. Criteria: GeneDx Variant Classification Process June 2021. Collection method: clinical testing. Allele origin: germline. Affected: yes.
Comment: In silico analysis indicates that this missense variant does not alter protein structure/function; Not located in the triple helical region, where the majority of pathogenic missense variants occur (HGMD) (PMID: 25240749); Has not been previously published as pathogenic or benign to our knowledge; This variant is associated with the following publications: (PMID: 25240749)

Blueprint Genetics
Classification: Benign. Last evaluated: 2024-11-20. Review status: criteria provided, single submitter. Criteria: ACMG Guidelines, 2015. Collection method: clinical testing. Allele origin: germline.

Ambry Genetics
Classification: Uncertain significance for Inborn genetic diseases. Last evaluated: 2023-12-15. Review status: criteria provided, single submitter. Criteria: Ambry Variant Classification Scheme 2023. Collection method: clinical testing. Allele origin: germline.

NM_001854.4(COL11A1):c.1169A>G (p.Glu390Gly)

Gene: COL11A1 (collagen type XI alpha 1 chain; minus strand). Cytogenetic location: 1p21.1.
Variant type: single nucleotide variant.
Coding change: c.1169A>G on transcript NM_001854.4 (MANE Select); coding-DNA position 1169, A replaced by G.
Protein change: p.Glu390Gly; replaces glutamic acid 390 with glycine.
Molecular consequence: missense variant. On other transcripts: non-coding transcript variant (1), intron variant (1).
Genome position (GRCh38, 1-based): chr1:103,022,818, T>C on the plus strand (A>G on the coding strand, the complement: COL11A1 is on the minus strand). VCF-style: chr1-103022818-T-C. GRCh37 (hg19) VCF-style: chr1-103488374-T-C.
Other names: c.1052A>G, p.Glu351Gly (NM_001190709.2); c.1205A>G, p.Glu402Gly (NM_080629.3); c.898-1049A>G (NM_080630.4); short protein forms E351G, E390G, E402G.
Identifiers: ClinVar variation 1151636 (VCV001151636.19), dbSNP rs139480042, ClinGen allele CA975105.